The following is an entry in ClinVar:

ClinVar aggregate classification (germline): Uncertain significance. Review status: criteria provided, multiple submitters, no conflicts (2 of 4 stars). 2 submissions from 2 submitters: Uncertain significance (2). Last evaluated 2025-08-31.

Conditions:
Idiopathic generalized epilepsy. Also called: Generalised epilepsy; EIG. Identifiers: MedGen C0270850, MONDO:0005579, OMIM 600669.
Hyperaldosteronism, familial, type IV (HALD4). Also called: FH IV; ALDOSTERONISM, PRIMARY, AND HYPERTENSION. Identifiers: Orphanet 642671, MedGen C4310756, MONDO:0014875, OMIM 617027.
Epilepsy, childhood absence, susceptibility to, 6. Identifiers: Orphanet 64280, MedGen C2749872, MONDO:0012763, OMIM 611942.

Allele frequency attached by ClinVar (database versions not stated): gnomAD 0.00004; gnomAD exomes 0.00004 and 0.00006; TOPMed 0.00005; ExAC 0.00009; ESP Exome Variant Server 0.00018.

Submissions (2):

Labcorp Genetics (formerly Invitae), Labcorp
Classification: Uncertain significance for Idiopathic generalized epilepsy; Hyperaldosteronism, familial, type IV. Last evaluated: 2025-08-31. Review status: criteria provided, single submitter. Criteria: Invitae Variant Classification Sherloc (09022015). Collection method: clinical testing. Allele origin: germline.
Comment: This sequence change creates a premature translational stop signal (p.Val621Glyfs*34) in the CACNA1H gene. It is expected to result in an absent or disrupted protein product. However, the current clinical and genetic evidence is not sufficient to establish whether loss-of-function variants in CACNA1H cause disease. This variant is present in population databases (rs759709148, gnomAD 0.02%). This premature translational stop signal has been observed in individual(s) with febrile seizures (PMID: 15048902). ClinVar contains an entry for this variant (Variation ID: 1432477). In summary, the available evidence is currently insufficient to determine the role of this variant in disease. Therefore, it has been classified as a Variant of Uncertain Significance.

Fulgent Genetics
Classification: Uncertain significance for Epilepsy, childhood absence, susceptibility to, 6; Hyperaldosteronism, familial, type IV. Last evaluated: 2024-05-20. Review status: criteria provided, single submitter. Criteria: ACMG Guidelines, 2015. Collection method: clinical testing. Allele origin: germline.

Literature cited by the submitters: PubMed 15048902 (cited by Labcorp Genetics (formerly Invitae), Labcorp).

NM_021098.3(CACNA1H):c.1857_1858del (p.Val621fs)

Gene: CACNA1H (calcium voltage-gated channel subunit alpha1 H; plus strand). Cytogenetic location: 16p13.3.
Variant type: Deletion.
Coding change: c.1857_1858del on transcript NM_021098.3 (MANE Select); coding-DNA positions 1857 to 1858, 2 bases deleted (AG; older notation c.1857_1858delAG).
Protein change: p.Val621fs; shifts the reading frame from valine 621.
Molecular consequence: frameshift variant.
Genome position (GRCh38, 1-based): chr16:1,202,307-1,202,308, AG deleted. VCF-style (leftmost placement, unchanged base first): chr16-1202306-CAG-C. GRCh37 (hg19) VCF-style: chr16-1252306-CAG-C.
Other names: c.1857_1858del, p.Val621fs (NM_001005407.2); short protein forms V621fs.
Identifiers: ClinVar variation 1432477 (VCV001432477.8), dbSNP rs759709148, ClinGen allele CA7800028.